The following is an entry in ClinVar:

NM_001761.3(CCNF):c.2251C>T (p.Arg751Cys)

Genes: CCNF (cyclin F; plus strand), LOC105371050 (uncharacterized LOC105371050; minus strand). Cytogenetic location: 16p13.3.
Variant type: single nucleotide variant.
Coding change: c.2251C>T on transcript NM_001761.3 (MANE Select); coding-DNA position 2251, C replaced by T.
Protein change: p.Arg751Cys; replaces arginine 751 with cysteine.
Molecular consequence: missense variant. On other transcripts: non-coding transcript variant (1).
Genome position (GRCh38, 1-based): chr16:2,456,910, C>T. VCF-style: chr16-2456910-C-T. GRCh37 (hg19) VCF-style: chr16-2506911-C-T.
Other names: c.1327C>T, p.Arg443Cys (NM_001323538.2); short protein forms R443C, R751C.
Identifiers: ClinVar variation 4872669 (VCV004872669.2).
Genomic context (GRCh38, chr16:2,456,910, plus strand): 5'-GACAGTGACTCGCACACACAGCCCTGCCACCATCAGGCCAGGAAGTCATGTTTACAGTGT[C>T]GTCCCCCAAGTCCCCCGGAGAGCAGTGTTCCCCAGCAACAGGTGAAGCGGATAAACCTAT-3'
Protein context (NP_001752.2, residues 741-761): HQARKSCLQC[Arg751Cys]PPSPPESSVP

ClinVar aggregate classification (germline): Likely benign (1 of 4 stars; one submission).

gnomAD v4.1: 482 of 1,614,140 alleles (0.03%); highest among the groups gnomAD compares: South Asian, 0.082%; no homozygotes.

Submission:

CeGaT Center for Human Genetics Tuebingen
Classification: Likely benign. Last evaluated: 2026-06-01. Review status: criteria provided, single submitter. Criteria: CeGaT Center For Human Genetics Tuebingen Variant Classification Criteria Version 2. Collection method: clinical testing. Allele origin: germline. Affected: yes. Observed: 1 variant allele.
Comment: CCNF: BP4